The following is an entry in ClinVar:

NM_001374736.1(DST):c.13432A>G (p.Lys4478Glu)

Gene: DST (dystonin; minus strand). Cytogenetic location: 6p12.1.
Variant type: single nucleotide variant.
Coding change: c.13432A>G on transcript NM_001374736.1 (MANE Select); coding-DNA position 13432, A replaced by G.
Protein change: p.Lys4478Glu; replaces lysine 4478 with glutamic acid.
Molecular consequence: missense variant.
Genome position (GRCh38, 1-based): chr6:56,572,869, T>C on the plus strand (A>G on the coding strand, the complement: DST is on the minus strand). VCF-style: chr6-56572869-T-C. GRCh37 (hg19) VCF-style: chr6-56437667-T-C.
Other names: c.7075A>G, p.Lys2359Glu (NM_001144769.5); c.6661A>G, p.Lys2221Glu (NM_001144770.2); c.13432A>G, p.Lys4478Glu (NM_001374722.1); c.12799A>G, p.Lys4267Glu (NM_001374729.1); c.6541A>G, p.Lys2181Glu (NM_001374730.1, NM_001386100.1, NM_183380.4); c.13459A>G, p.Lys4487Glu (NM_001374734.1); c.5563A>G, p.Lys1855Glu (NM_015548.5); short protein forms K2221E, K1855E, K2181E, K2359E, K4267E, K4478E, K4487E.
Identifiers: ClinVar variation 1037686 (VCV001037686.7), dbSNP rs577213409, ClinGen allele CA3868218.

ClinVar aggregate classification (germline): Uncertain significance (1 of 4 stars; one submission).

Conditions:
Hereditary sensory and autonomic neuropathy type 6. Also called: Neuropathy, hereditary sensory and autonomic, type VI; HSAN VI. Identifiers: Orphanet 314381, MedGen C3539003, MONDO:0013839, OMIM 614653.
Epidermolysis bullosa simplex 3, localized or generalized intermediate, with BP230 deficiency (EBS3). Also called: Epidermolysis bullosa simplex, autosomal recessive 2; Epidermolysis bullosa simplex due to BP230 deficiency. Identifiers: Orphanet 412181, MedGen C3809470, MONDO:0014180, OMIM 615425.

Allele frequency attached by ClinVar (database versions not stated): TOPMed below 0.00001; ExAC 0.00001; gnomAD exomes 0.00001; gnomAD 0.00002 and 0.00003; 1000 Genomes Project 30x 0.00016; 1000 Genomes Project 0.00020.
gnomAD v4.1: 4 of 1,613,506 alleles (0.00025%); highest among the groups gnomAD compares: African/African-American, 0.004%; no homozygotes.

Submission:

Labcorp Genetics (formerly Invitae), Labcorp
Classification: Uncertain significance for Epidermolysis bullosa simplex 3, localized or generalized intermediate, with BP230 deficiency; Hereditary sensory and autonomic neuropathy type 6. Last evaluated: 2020-05-15. Review status: criteria provided, single submitter. Criteria: Invitae Variant Classification Sherloc (09022015). Collection method: clinical testing. Allele origin: germline.
Comment: In summary, the available evidence is currently insufficient to determine the role of this variant in disease. Therefore, it has been classified as a Variant of Uncertain Significance. Experimental studies and prediction algorithms are not available or were not evaluated, and the functional significance of this variant is currently unknown. This variant has not been reported in the literature in individuals with DST-related conditions. This variant is present in population databases (rs577213409, ExAC 0.006%). This sequence change replaces lysince with glutamic acid at codon 1855 of the DST protein (Lys1855Glu). The lysine residue is highly conserved and there is a small physicochemical difference between the two amino acids. The DST gene has multiple clinically relevant transcripts. This variant occurs in alternate transcript NM_015548.4, and corresponds to NM_001723.5:c.*42648A>G in the primary transcript.